The following is an entry in ClinVar:

NM_002662.5(PLD1):c.1543G>A (p.Ala515Thr)

Gene: PLD1 (phospholipase D1; minus strand). Cytogenetic location: 3q26.31.
Variant type: single nucleotide variant.
Coding change: c.1543G>A on transcript NM_002662.5 (MANE Select); coding-DNA position 1543, G replaced by A.
Protein change: p.Ala515Thr; replaces alanine 515 with threonine.
Molecular consequence: missense variant.
Genome position (GRCh38, 1-based): chr3:171,687,581, C>T on the plus strand (G>A on the coding strand, the complement: PLD1 is on the minus strand). VCF-style: chr3-171687581-C-T. GRCh37 (hg19) VCF-style: chr3-171405371-C-T.
Other names: c.1543G>A, p.Ala515Thr (NM_001130081.3); short protein forms A515T.
Identifiers: ClinVar variation 1033938 (VCV001033938.1), dbSNP rs1714706978, ClinGen allele CA355499256.

ClinVar aggregate classification (germline): Uncertain significance (1 of 4 stars; one submission).

Conditions:
Cardiac valvular defect, developmental (CVDP1). Also called: CARDIAC VALVULAR DYSPLASIA 1. Identifiers: MedGen C5774175, MONDO:0008913, OMIM 212093.

Allele frequency attached by ClinVar (database versions not stated): TOPMed below 0.00001; gnomAD 0.00001.
gnomAD v4.1: 1 of 1,607,984 alleles (0.000062%); highest among the groups gnomAD compares: East Asian, 0.0022%; no homozygotes.

Submission:

Baylor Genetics
Classification: Uncertain significance for Cardiac valvular defect, developmental. Last evaluated: 2018-05-14. Review status: criteria provided, single submitter. Criteria: ACMG Guidelines, 2015. Collection method: clinical testing. Allele origin: paternal. Affected: yes.
Comment: This variant was determined to be of uncertain significance according to ACMG Guidelines, 2015 [PMID:25741868].